The following is an entry in ClinVar:

ClinVar aggregate classification (germline): Conflicting classifications of pathogenicity. Review status: criteria provided, conflicting classifications (1 of 4 stars). 4 submissions from 4 submitters: Likely pathogenic (3); Uncertain significance (1). Last evaluated 2025-08-04.

Conditions:
Congenital microcephaly - severe encephalopathy - progressive cerebral atrophy syndrome. Also called: ASNS DEFICIENCY; Asparagine synthetase deficiency. Identifiers: Orphanet 391376, MedGen C3809971, MONDO:0014258, OMIM 615574.

Allele frequency attached by ClinVar (database versions not stated): gnomAD exomes below 0.00001 and 0.00002.
gnomAD v4.1: 34 of 1,606,320 alleles (0.0021%); highest among the groups gnomAD compares: Non-Finnish European, 0.0027%; no homozygotes.

Submissions (4):

Myriad Genetics, Inc.
Classification: Uncertain significance for Congenital microcephaly - severe encephalopathy - progressive cerebral atrophy syndrome. Last evaluated: 2025-08-04. Review status: criteria provided, single submitter. Criteria: Myriad Autosomal Dominant, Autosomal Recessive and X-Linked Classification Criteria (2023). Collection method: clinical testing. Allele origin: unknown.
Comment: NM_001673.4(ASNS):c.1018C>T(R340C) is a missense variant classified as a variant of uncertain significance in the context of asparagine synthetase deficiency. R340C has been observed in a case with relevant disease (PMID: 38043418). Relevant functional assessments of this variant are not available in the literature. R340C has been observed in referenced population frequency databases. In summary, there is insufficient evidence to classify NM_001673.4(ASNS):c.1018C>T(R340C) as pathogenic or benign. Please note: this variant was assessed in the context of healthy population screening.

GeneDx
Classification: Likely pathogenic. Last evaluated: 2024-10-10. Review status: criteria provided, single submitter. Criteria: GeneDx Variant Classification Process June 2021. Collection method: clinical testing. Allele origin: germline. Affected: yes.
Comment: Not observed at significant frequency in large population cohorts (gnomAD); In silico analysis supports that this missense variant has a deleterious effect on protein structure/function; This variant is associated with the following publications: (PMID: 38043418)

Genomic Medicine Center of Excellence, King Faisal Specialist Hospital and Research Centre
Classification: Likely pathogenic for Congenital microcephaly - severe encephalopathy - progressive cerebral atrophy syndrome. Last evaluated: 2024-04-04. Review status: criteria provided, single submitter. Criteria: ACMG Guidelines, 2015. Collection method: clinical testing. Allele origin: germline.

Labcorp Genetics (formerly Invitae), Labcorp
Classification: Likely pathogenic. Last evaluated: 2023-10-14. Review status: criteria provided, single submitter. Criteria: Invitae Variant Classification Sherloc (09022015). Collection method: clinical testing. Allele origin: germline.
Comment: This sequence change replaces arginine, which is basic and polar, with cysteine, which is neutral and slightly polar, at codon 340 of the ASNS protein (p.Arg340Cys). This variant is present in population databases (no rsID available, gnomAD 0.0009%). This variant has not been reported in the literature in individuals affected with ASNS-related conditions. ClinVar contains an entry for this variant (Variation ID: 1492904). Advanced modeling of protein sequence and biophysical properties (such as structural, functional, and spatial information, amino acid conservation, physicochemical variation, residue mobility, and thermodynamic stability) performed at Invitae indicates that this missense variant is expected to disrupt ASNS protein function. This variant disrupts the p.Arg340 amino acid residue in ASNS. Other variant(s) that disrupt this residue have been determined to be pathogenic (PMID: 27469131). This suggests that this residue is clinically significant, and that variants that disrupt this residue are likely to be disease-causing. In summary, the currently available evidence indicates that the variant is pathogenic, but additional data are needed to prove that conclusively. Therefore, this variant has been classified as Likely Pathogenic.

Literature cited by the submitters: PubMed 38043418 (cited by Myriad Genetics, Inc.); PubMed 27469131 (cited by Labcorp Genetics (formerly Invitae), Labcorp).

NM_001673.5(ASNS):c.1018C>T (p.Arg340Cys)

Genes: ASNS (asparagine synthetase (glutamine-hydrolyzing); minus strand), CZ1P-ASNS (CZ1P-ASNS readthrough; minus strand). Cytogenetic location: 7q21.3.
Variant type: single nucleotide variant.
Coding change: c.1018C>T on transcript NM_001673.5 (MANE Select); coding-DNA position 1018, C replaced by T.
Protein change: p.Arg340Cys; replaces arginine 340 with cysteine.
Molecular consequence: missense variant. On other transcripts: non-coding transcript variant (1).
Genome position (GRCh38, 1-based): chr7:97,856,702, G>A on the plus strand (C>T on the coding strand, the complement: ASNS is on the minus strand). VCF-style: chr7-97856702-G-A. GRCh37 (hg19) VCF-style: chr7-97486014-G-A.
Other names: c.955C>T, p.Arg319Cys (NM_001178075.2); c.769C>T, p.Arg257Cys (NM_001178076.2, NM_001178077.1); c.1018C>T, p.Arg340Cys (NM_001352496.2, NM_133436.3, NM_183356.4); short protein forms R319C, R340C, R257C.
Identifiers: ClinVar variation 1492904 (VCV001492904.11), dbSNP rs1399973379, ClinGen allele CA368266832.